The following is an entry in ClinVar:

NM_001873.4(CPE):c.911A>G (p.Asp304Gly)

Gene: CPE (carboxypeptidase E; plus strand). Cytogenetic location: 4q32.3.
Variant type: single nucleotide variant.
Coding change: c.911A>G on transcript NM_001873.4 (MANE Select); coding-DNA position 911, A replaced by G.
Protein change: p.Asp304Gly; replaces aspartic acid 304 with glycine.
Molecular consequence: missense variant.
Genome position (GRCh38, 1-based): chr4:165,484,542, A>G. VCF-style: chr4-165484542-A-G. GRCh37 (hg19) VCF-style: chr4-166405694-A-G.
Other names: short protein forms D304G.
Identifiers: ClinVar variation 3356279 (VCV003356279.2).

ClinVar aggregate classification (germline): Uncertain significance (1 of 4 stars; one submission).

Conditions:
CPE-related disorder. Also called: CPE-related condition.

Submission:

PreventionGenetics, part of Exact Sciences
Classification: Uncertain significance for CPE-related condition. Last evaluated: 2026-09-08. Review status: criteria provided, single submitter. Criteria: ACMG Guidelines, 2015. Collection method: clinical testing. Allele origin: germline.
Comment: The CPE c.911A>G variant is predicted to result in the amino acid substitution p.Asp304Gly. To our knowledge, this variant has not been reported in the literature or in a large population database, indicating this variant is rare. At this time, the clinical significance of this variant is uncertain due to the absence of conclusive functional and genetic evidence.